The following is an entry in ClinVar:

ClinVar aggregate classification (germline): Likely benign. Review status: criteria provided, multiple submitters, no conflicts (2 of 4 stars). 2 submissions from 2 submitters: Likely benign (2). Last evaluated 2025-05-01.

Conditions:
FGFR2-related craniosynostosis. Identifiers: MedGen CN231480.

gnomAD v4.1: 26 of 1,613,886 alleles (0.0016%); highest among the groups gnomAD compares: South Asian, 0.015%; no homozygotes.

Submissions (2):

CeGaT Center for Human Genetics Tuebingen
Classification: Likely benign. Last evaluated: 2025-05-01. Review status: criteria provided, single submitter. Criteria: CeGaT Center For Human Genetics Tuebingen Variant Classification Criteria Version 2. Collection method: clinical testing. Allele origin: germline. Affected: yes. Observed: 1 variant allele.
Comment: FGFR2: BP4, BP7

Labcorp Genetics (formerly Invitae), Labcorp
Classification: Likely benign for FGFR2-related craniosynostosis. Last evaluated: 2025-02-21. Review status: criteria provided, single submitter. Criteria: Invitae Variant Classification Sherloc (09022015). Collection method: clinical testing. Allele origin: germline.

NM_000141.5(FGFR2):c.1329G>A (p.Pro443=)

Gene: FGFR2 (fibroblast growth factor receptor 2; minus strand). Cytogenetic location: 10q26.13.
Variant type: single nucleotide variant.
Coding change: c.1329G>A on transcript NM_000141.5 (MANE Select); coding-DNA position 1329, G replaced by A.
Protein change: p.Pro443=; no amino-acid change (proline 443 retained).
Molecular consequence: synonymous variant. On other transcripts: non-coding transcript variant (1).
Genome position (GRCh38, 1-based): chr10:121,503,900, C>T on the plus strand (G>A on the coding strand, the complement: FGFR2 is on the minus strand). VCF-style: chr10-121503900-C-T. GRCh37 (hg19) VCF-style: chr10-123263414-C-T.
Other names: c.1332G>A, p.Pro444= (NM_001144913.1, NM_022970.4); c.993G>A, p.Pro331= (NM_001144914.1); c.1062G>A, p.Pro354= (NM_001144915.2, NM_023029.3); c.984G>A, p.Pro328= (NM_001144916.2); c.981G>A, p.Pro327= (NM_001144917.2); c.978G>A, p.Pro326= (NM_001144918.2); c.1065G>A, p.Pro355= (NM_001144919.2); c.645G>A, p.Pro215= (NM_001320654.2); and 1 more.
Identifiers: ClinVar variation 3905375 (VCV003905375.11).